The following is an entry in ClinVar:

NM_133459.4(CCBE1):c.140G>C (p.Cys47Ser)

Gene: CCBE1 (collagen and calcium binding EGF domains 1; minus strand). Cytogenetic location: 18q21.32.
Variant type: single nucleotide variant.
Coding change: c.140G>C on transcript NM_133459.4 (MANE Select); coding-DNA position 140, G replaced by C.
Protein change: p.Cys47Ser; replaces cysteine 47 with serine.
Molecular consequence: missense variant.
Genome position (GRCh38, 1-based): chr18:59,696,701, C>G on the plus strand (G>C on the coding strand, the complement: CCBE1 is on the minus strand). VCF-style: chr18-59696701-C-G. GRCh37 (hg19) VCF-style: chr18-57363933-C-G.
Other names: short protein forms C47S.
Identifiers: ClinVar variation 2671794 (VCV002671794.1), dbSNP rs774528504, ClinGen allele CA402717335.

ClinVar aggregate classification (germline): Uncertain significance (1 of 4 stars; one submission).

Conditions:
Hennekam lymphangiectasia-lymphedema syndrome 1 (HKLLS1). Also called: LYMPHATIC DYSPLASIA, GENERALIZED. Identifiers: Orphanet 2136, MedGen C4012050, MONDO:0009337, OMIM 235510.

Submission:

Neuberg Centre For Genomic Medicine, NCGM
Classification: Uncertain significance for Hennekam lymphangiectasia-lymphedema syndrome 1. Last evaluated: 2023-03-01. Review status: criteria provided, single submitter. Criteria: ACMG Guidelines, 2015. Collection method: clinical testing. Allele origin: germline. Inheritance: Autosomal recessive inheritance. Affected: yes.
Comment: The missense variant c.140G>C(p.Cys47Ser) in CCBE1 gene has not been reported previously as a pathogenic variant nor as a benign variant, to our knowledge. The variant is novel (not in any individuals) in gnomAD Exomes and 1000 Genomes. The amino acid Cysteine at position 47 is changed to a Serine changing protein sequence and it might alter its composition and physico-chemical properties. The variant is predicted to be damaging by SIFT. The amino acid change p.Cys47Ser in CCBE1 is predicted as conserved by GERP++ and PhyloP across 100 vertebrates. For these reasons, this variant has been classified as Uncertain Significance.